The following is an entry in ClinVar:

ClinVar aggregate classification (germline): Uncertain significance (1 of 4 stars; one submission).

Submission:

Ambry Genetics
Classification: Uncertain significance. Last evaluated: 2024-06-30. Review status: criteria provided, single submitter. Criteria: Ambry Variant Classification Scheme 2023. Collection method: clinical testing. Allele origin: germline.
Comment: The p.A323V variant (also known as c.968C>T), located in coding exon 10 of the BUB1 gene, results from a C to T substitution at nucleotide position 968. The alanine at codon 323 is replaced by valine, an amino acid with similar properties. This amino acid position is conserved. In addition, this alteration is predicted to be tolerated by in silico analysis. Based on the available evidence, the clinical significance of this variant remains unclear.

NM_004336.5(BUB1):c.968C>T (p.Ala323Val)

Gene: BUB1 (BUB1 mitotic checkpoint serine/threonine kinase; minus strand). Cytogenetic location: 2q13.
Variant type: single nucleotide variant.
Coding change: c.968C>T on transcript NM_004336.5 (MANE Select); coding-DNA position 968, C replaced by T.
Protein change: p.Ala323Val; replaces alanine 323 with valine.
Molecular consequence: missense variant.
Genome position (GRCh38, 1-based): chr2:110,661,831, G>A on the plus strand (C>T on the coding strand, the complement: BUB1 is on the minus strand). VCF-style: chr2-110661831-G-A. GRCh37 (hg19) VCF-style: chr2-111419408-G-A.
Other names: c.908C>T, p.Ala303Val (NM_001278616.2); c.968C>T, p.Ala323Val (NM_001278617.2); short protein forms A303V, A323V.
Identifiers: ClinVar variation 3483016 (VCV003483016.1).